The following is an entry in ClinVar:

NM_012079.6(DGAT1):c.329+4A>C

Gene: DGAT1 (diacylglycerol O-acyltransferase 1; minus strand). Cytogenetic location: 8q24.3.
Variant type: single nucleotide variant.
Coding change: c.329+4A>C on transcript NM_012079.6 (MANE Select); 4 bases into the intron after coding-DNA position 329, A replaced by C.
Molecular consequence: intron variant.
Genome position (GRCh38, 1-based): chr8:144,319,024, T>G on the plus strand (A>C on the coding strand, the complement: DGAT1 is on the minus strand). VCF-style: chr8-144319024-T-G. GRCh37 (hg19) VCF-style: chr8-145542687-T-G.
Identifiers: ClinVar variation 4277300 (VCV004277300.1).

ClinVar aggregate classification (germline): Uncertain significance (1 of 4 stars; one submission).

Conditions:
Congenital diarrhea 5 with tufting enteropathy. Also called: INTESTINAL EPITHELIAL CELL DYSPLASIA; Congenital tufting enteropathy. Identifiers: Orphanet 92050, MedGen C2750737, MONDO:0013184, OMIM 613217.

gnomAD v4.1: 8 of 1,558,774 alleles (0.00051%); highest among the groups gnomAD compares: Middle Eastern, 0.017%; no homozygotes.

Submission:

Dr. Moinak Lab, Sanjay Gandhi Postgraduate Institute of Medical Sciences
Classification: Uncertain significance for Congenital diarrhea 5 with tufting enteropathy. Last evaluated: 2024-07-30. Review status: criteria provided, single submitter. Criteria: ACMG Guidelines, 2015. Collection method: clinical testing. Allele origin: germline. Inheritance: Autosomal recessive inheritance. Affected: yes. Observed: 1 homozygote.
Comment: DGAT1: c.329+4A>C is a novel variant involving a single nucleotide substitution from A to C in Intron 3.This results in potential splice-altering effect due to proximity to canonical donor site (+4 position)

Literature cited by the submitters: PubMed 29604290.